The following is an entry in ClinVar:

ClinVar aggregate classification (germline): Uncertain significance. Review status: criteria provided, multiple submitters, no conflicts (2 of 4 stars). 2 submissions from 2 submitters: Uncertain significance (2). Last evaluated 2025-12-21.

Allele frequency attached by ClinVar (database versions not stated): TOPMed 0.00002; gnomAD 0.00003; gnomAD exomes below 0.00001.

Submissions (2):

Labcorp Genetics (formerly Invitae), Labcorp
Classification: Uncertain significance. Last evaluated: 2025-12-21. Review status: criteria provided, single submitter. Criteria: Invitae Variant Classification Sherloc (09022015). Collection method: clinical testing. Allele origin: germline.
Comment: This sequence change replaces isoleucine, which is neutral and non-polar, with threonine, which is neutral and polar, at codon 171 of the SCN3A protein (p.Ile171Thr). This variant is not present in population databases (gnomAD no frequency). This variant has not been reported in the literature in individuals affected with SCN3A-related conditions. ClinVar contains an entry for this variant (Variation ID: 650930). Invitae Evidence Modeling of protein sequence and biophysical properties (such as structural, functional, and spatial information, amino acid conservation, physicochemical variation, residue mobility, and thermodynamic stability) indicates that this missense variant is not expected to disrupt SCN3A protein function with a negative predictive value of 95%. In summary, the available evidence is currently insufficient to determine the role of this variant in disease. Therefore, it has been classified as a Variant of Uncertain Significance.

Mayo Clinic Laboratories, Mayo Clinic
Classification: Uncertain significance. Last evaluated: 2025-11-01. Review status: criteria provided, single submitter. Criteria: ACMG Guidelines, 2015. Collection method: clinical testing. Allele origin: germline. Observed: 1 variant allele.
Comment: BS1, PP3_moderate

NM_006922.4(SCN3A):c.512T>C (p.Ile171Thr)

Gene: SCN3A (sodium voltage-gated channel alpha subunit 3; minus strand). Cytogenetic location: 2q24.3.
Variant type: single nucleotide variant.
Coding change: c.512T>C on transcript NM_006922.4 (MANE Select); coding-DNA position 512, T replaced by C.
Protein change: p.Ile171Thr; replaces isoleucine 171 with threonine.
Molecular consequence: missense variant.
Genome position (GRCh38, 1-based): chr2:165,164,482, A>G on the plus strand (T>C on the coding strand, the complement: SCN3A is on the minus strand). VCF-style: chr2-165164482-A-G. GRCh37 (hg19) VCF-style: chr2-166020992-A-G.
Other names: p.Ile171Thr; c.512T>C, p.Ile171Thr (NM_001081676.2, NM_001081677.2); short protein forms I171T.
Identifiers: ClinVar variation 650930 (VCV000650930.8), dbSNP rs1311160280, ClinGen allele CA349240081.